The following is an entry in ClinVar:

NM_182493.3(MYLK3):c.1510G>A (p.Val504Ile)

Gene: MYLK3 (myosin light chain kinase 3; minus strand). Cytogenetic location: 16q11.2.
Variant type: single nucleotide variant.
Coding change: c.1510G>A on transcript NM_182493.3 (MANE Select); coding-DNA position 1510, G replaced by A.
Protein change: p.Val504Ile; replaces valine 504 with isoleucine.
Molecular consequence: missense variant.
Genome position (GRCh38, 1-based): chr16:46,730,651, C>T on the plus strand (G>A on the coding strand, the complement: MYLK3 is on the minus strand). VCF-style: chr16-46730651-C-T. GRCh37 (hg19) VCF-style: chr16-46764563-C-T.
Other names: c.487G>A, p.Val163Ile (NM_001308301.1); short protein forms V163I, V504I.
Identifiers: ClinVar variation 1449357 (VCV001449357.6), dbSNP rs528981118, ClinGen allele CA8037959.

ClinVar aggregate classification (germline): Uncertain significance (1 of 4 stars; one submission).

Allele frequency attached by ClinVar (database versions not stated): gnomAD exomes 0.00001 and 0.00002; TOPMed 0.00001; ExAC 0.00002.
gnomAD v4.1: 17 of 1,614,056 alleles (0.0011%); highest among the groups gnomAD compares: Admixed American, 0.0017%; no homozygotes.

Submission:

Labcorp Genetics (formerly Invitae), Labcorp
Classification: Uncertain significance. Last evaluated: 2026-01-28. Review status: criteria provided, single submitter. Criteria: Invitae Variant Classification Sherloc (09022015). Collection method: clinical testing. Allele origin: germline.
Comment: This sequence change replaces valine, which is neutral and non-polar, with isoleucine, which is neutral and non-polar, at codon 504 of the MYLK3 protein (p.Val504Ile). This variant is present in population databases (rs528981118, gnomAD 0.003%). This variant has not been reported in the literature in individuals affected with MYLK3-related conditions. ClinVar contains an entry for this variant (Variation ID: 1449357). An algorithm developed to predict the effect of missense changes on protein structure and function outputs the following: PolyPhen-2: "Benign". The isoleucine amino acid residue is found in multiple mammalian species, which suggests that this missense change does not adversely affect protein function. In summary, the available evidence is currently insufficient to determine the role of this variant in disease. Therefore, it has been classified as a Variant of Uncertain Significance.